The following is an entry in ClinVar:

ClinVar aggregate classification (germline): Conflicting classifications of pathogenicity. Review status: criteria provided, conflicting classifications (1 of 4 stars). 4 submissions from 4 submitters: Uncertain significance (3); Likely benign (1). Last evaluated 2025-12-10.

Conditions:
Hereditary cancer-predisposing syndrome. Also called: Hereditary neoplastic syndrome; Tumor predisposition; Neoplastic Syndromes, Hereditary; Hereditary Cancer Syndrome. Identifiers: Orphanet 140162, MedGen C0027672, MeSH D009386, MONDO:0015356.

Allele frequency attached by ClinVar (database versions not stated): gnomAD exomes below 0.00001 and 0.00002; gnomAD 0.00003 and 0.00004; TOPMed 0.00005.

Submissions (4):

Labcorp Genetics (formerly Invitae), Labcorp
Classification: Uncertain significance. Last evaluated: 2025-12-10. Review status: criteria provided, single submitter. Criteria: Invitae Variant Classification Sherloc (09022015). Collection method: clinical testing. Allele origin: germline.
Comment: This sequence change replaces glutamic acid, which is acidic and polar, with lysine, which is basic and polar, at codon 1199 of the POLE protein (p.Glu1199Lys). This variant is present in population databases (no rsID available, gnomAD 0.004%). This variant has not been reported in the literature in individuals affected with POLE-related conditions. ClinVar contains an entry for this variant (Variation ID: 420467). An algorithm developed to predict the effect of missense changes on protein structure and function (PolyPhen-2) suggests that this variant is likely to be tolerated. In summary, the available evidence is currently insufficient to determine the role of this variant in disease. Therefore, it has been classified as a Variant of Uncertain Significance.

GeneDx
Classification: Uncertain significance. Last evaluated: 2025-06-30. Review status: criteria provided, single submitter. Criteria: GeneDx Variant Classification Process June 2021. Collection method: clinical testing. Allele origin: germline. Affected: yes.
Comment: Not observed at significant frequency in large population cohorts (gnomAD); In silico analysis suggests that this missense variant does not alter protein structure/function; Has not been previously published as pathogenic or benign to our knowledge

Center for Genomic Medicine, Rigshospitalet, Copenhagen University Hospital
Classification: Uncertain significance. Last evaluated: 2025-03-04. Review status: criteria provided, single submitter. Criteria: ACMG Guidelines, 2015. Collection method: clinical testing. Allele origin: germline.

Ambry Genetics
Classification: Likely benign for Hereditary cancer-predisposing syndrome. Last evaluated: 2025-02-07. Review status: criteria provided, single submitter. Criteria: Ambry Variant Classification Scheme 2023. Collection method: clinical testing. Allele origin: germline.

NM_006231.4(POLE):c.3595G>A (p.Glu1199Lys)

Gene: POLE (DNA polymerase epsilon, catalytic subunit; minus strand). Cytogenetic location: 12q24.33.
Variant type: single nucleotide variant.
Coding change: c.3595G>A on transcript NM_006231.4 (MANE Select); coding-DNA position 3595, G replaced by A.
Protein change: p.Glu1199Lys; replaces glutamic acid 1199 with lysine.
Molecular consequence: missense variant.
Genome position (GRCh38, 1-based): chr12:132,649,877, C>T on the plus strand (G>A on the coding strand, the complement: POLE is on the minus strand). VCF-style: chr12-132649877-C-T. GRCh37 (hg19) VCF-style: chr12-133226463-C-T.
Other names: short protein forms E1199K.
Identifiers: ClinVar variation 420467 (VCV000420467.22), dbSNP rs1012418859, ClinGen allele CA16619465.